The following is an entry in ClinVar:

ClinVar aggregate classification (germline): Conflicting classifications of pathogenicity. Review status: criteria provided, conflicting classifications (1 of 4 stars). 5 submissions from 5 submitters: Uncertain significance (1); Benign (1); Likely benign (2). 1 of the submissions does not count toward it. Last evaluated 2026-06-16.

Conditions:
CPT2-related disorder. Also called: CPT2-related condition.
Carnitine palmitoyltransferase II deficiency. Also called: Carnitine Palmitoyltransferase 2 Deficiency. Identifiers: Orphanet 157, MedGen C0342790, MONDO:0015515.

Allele frequency attached by ClinVar (database versions not stated): gnomAD 0.00011; TOPMed 0.00011; gnomAD exomes 0.00027; ExAC 0.00072.
gnomAD v4.1: 126 of 1,526,766 alleles (0.0083%); highest among the groups gnomAD compares: Middle Eastern, 0.02%; no homozygotes.

Submissions (5):

PreventionGenetics, part of Exact Sciences
Classification: Likely benign for CPT2-related condition. Last evaluated: 2026-06-16. Review status: criteria provided, single submitter. Criteria: ACMG Guidelines, 2015. Collection method: clinical testing. Allele origin: germline.
Comment: This variant is classified as likely benign based on ACMG/AMP sequence variant interpretation guidelines (Richards et al. 2015 PMID: 25741868, with internal and published modifications).

Labcorp Genetics (formerly Invitae), Labcorp
Classification: Benign for Carnitine palmitoyltransferase II deficiency. Last evaluated: 2026-01-24. Review status: criteria provided, single submitter. Criteria: Invitae Variant Classification Sherloc (09022015). Collection method: clinical testing. Allele origin: germline.

Women's Health and Genetics/Laboratory Corporation of America, LabCorp
Classification: Likely benign. Last evaluated: 2023-02-17. Review status: criteria provided, single submitter. Criteria: LabCorp Variant Classification Summary - May 2015. Collection method: clinical testing. Allele origin: germline.

Illumina Laboratory Services, Illumina
Classification: Uncertain significance for Carnitine palmitoyltransferase II deficiency. Last evaluated: 2018-01-13. Review status: criteria provided, single submitter. Criteria: ICSL Variant Classification Criteria 13 December 2019. Collection method: clinical testing. Allele origin: germline.

Natera, Inc.
Classification: Likely benign for Carnitine palmitoyltransferase II deficiency. Last evaluated: 2020-08-31. Review status: no assertion criteria provided. Collection method: clinical testing. Allele origin: germline. Not counted in ClinVar's aggregate classification.

NM_000098.3(CPT2):c.45G>T (p.Ala15=)

Genes: CPT2 (carnitine palmitoyltransferase 2; plus strand), LOC129930561 (ATAC-STARR-seq lymphoblastoid silent region 902; plus strand). Cytogenetic location: 1p32.3.
Variant type: single nucleotide variant.
Coding change: c.45G>T on transcript NM_000098.3 (MANE Select); coding-DNA position 45, G replaced by T.
Protein change: p.Ala15=; no amino-acid change (alanine 15 retained).
Molecular consequence: synonymous variant.
Genome position (GRCh38, 1-based): chr1:53,196,988, G>T. VCF-style: chr1-53196988-G-T. GRCh37 (hg19) VCF-style: chr1-53662660-G-T.
Other names: c.45G>T, p.Ala15= (NM_001330589.2).
Identifiers: ClinVar variation 767391 (VCV000767391.18), dbSNP rs761850684, ClinGen allele CA858890.